The following is an entry in ClinVar:

ClinVar aggregate classification (germline): Likely pathogenic (1 of 4 stars; one submission).

Conditions:
Ehlers-Danlos syndrome, classic type, 1 (EDSCL1). Also called: EHLERS-DANLOS SYNDROME, GRAVIS TYPE; EHLERS-DANLOS SYNDROME, SEVERE CLASSIC TYPE; Ehlers-Danlos syndrome, type 1; Ehlers-Danlos Syndrome, Classic Type, COL5A1-Related; EDS I. Identifiers: MedGen C0268335, MONDO:0019567, OMIM 130000.

Submission:

Labcorp Genetics (formerly Invitae), Labcorp
Classification: Likely pathogenic for Ehlers-Danlos syndrome, classic type, 1. Last evaluated: 2026-01-16. Review status: criteria provided, single submitter. Criteria: Invitae Variant Classification Sherloc (09022015). Collection method: clinical testing. Allele origin: germline.
Comment: This sequence change replaces glycine, which is neutral and non-polar, with glutamic acid, which is acidic and polar, at codon 339 of the COL5A2 protein (p.Gly339Glu). This variant is not present in population databases (gnomAD no frequency). This missense change has been observed in individuals with clinical features of Ehlers-Danlos syndrome (external communication, internal data). It has also been observed to segregate with disease in related individuals. Invitae Evidence Modeling of protein sequence and biophysical properties (such as structural, functional, and spatial information, amino acid conservation, physicochemical variation, residue mobility, and thermodynamic stability) indicates that this missense variant is expected to disrupt COL5A2 protein function with a positive predictive value of 80%. In summary, the currently available evidence indicates that the variant is pathogenic, but additional data are needed to prove that conclusively. Therefore, this variant has been classified as Likely Pathogenic.

NM_000393.5(COL5A2):c.1016G>A (p.Gly339Glu)

Gene: COL5A2 (collagen type V alpha 2 chain; minus strand). Cytogenetic location: 2q32.2.
Variant type: single nucleotide variant.
Coding change: c.1016G>A on transcript NM_000393.5 (MANE Select); coding-DNA position 1016, G replaced by A.
Protein change: p.Gly339Glu; replaces glycine 339 with glutamic acid.
Molecular consequence: missense variant.
Genome position (GRCh38, 1-based): chr2:189,078,559, C>T on the plus strand (G>A on the coding strand, the complement: COL5A2 is on the minus strand). VCF-style: chr2-189078559-C-T. GRCh37 (hg19) VCF-style: chr2-189943285-C-T.
Other names: short protein forms G339E.
Identifiers: ClinVar variation 4740593 (VCV004740593.1).